The following is an entry in ClinVar:

ClinVar aggregate classification (germline): Conflicting classifications of pathogenicity. Review status: criteria provided, conflicting classifications (1 of 4 stars). 2 submissions from 2 submitters: Uncertain significance (1); Likely benign (1). Last evaluated 2024-07-07.

Conditions:
Inborn genetic diseases. Identifiers: MedGen C0950123, MeSH D030342.

Allele frequency attached by ClinVar (database versions not stated): gnomAD exomes below 0.00001.
gnomAD v4.1: 6 of 1,554,752 alleles (0.00039%); highest among the groups gnomAD compares: Non-Finnish European, 0.00052%; no homozygotes.

Submissions (2):

Ambry Genetics
Classification: Likely benign for Inborn genetic diseases. Last evaluated: 2024-07-07. Review status: criteria provided, single submitter. Criteria: Ambry Variant Classification Scheme 2023. Collection method: clinical testing. Allele origin: germline.

Labcorp Genetics (formerly Invitae), Labcorp
Classification: Uncertain significance. Last evaluated: 2022-03-03. Review status: criteria provided, single submitter. Criteria: Invitae Variant Classification Sherloc (09022015). Collection method: clinical testing. Allele origin: germline.
Comment: This sequence change replaces glycine, which is neutral and non-polar, with glutamic acid, which is acidic and polar, at codon 198 of the CNGB1 protein (p.Gly198Glu). The frequency data for this variant in the population databases is considered unreliable, as metrics indicate poor data quality at this position in the gnomAD database. This variant has not been reported in the literature in individuals affected with CNGB1-related conditions. Advanced modeling of protein sequence and biophysical properties (such as structural, functional, and spatial information, amino acid conservation, physicochemical variation, residue mobility, and thermodynamic stability) performed at Invitae indicates that this missense variant is not expected to disrupt CNGB1 protein function. In summary, the available evidence is currently insufficient to determine the role of this variant in disease. Therefore, it has been classified as a Variant of Uncertain Significance.

NM_001297.5(CNGB1):c.593G>A (p.Gly198Glu)

Gene: CNGB1 (cyclic nucleotide gated channel subunit beta 1; minus strand). Cytogenetic location: 16q21.
Variant type: single nucleotide variant.
Coding change: c.593G>A on transcript NM_001297.5 (MANE Select); coding-DNA position 593, G replaced by A.
Protein change: p.Gly198Glu; replaces glycine 198 with glutamic acid.
Molecular consequence: missense variant.
Genome position (GRCh38, 1-based): chr16:57,960,056, C>T on the plus strand (G>A on the coding strand, the complement: CNGB1 is on the minus strand). VCF-style: chr16-57960056-C-T. GRCh37 (hg19) VCF-style: chr16-57993960-C-T.
Other names: c.575G>A, p.Gly192Glu (NM_001286130.2); c.593G>A (NM_001297.4); c.593G>A, p.Gly198Glu (NM_001135639.2); short protein forms G192E, G198E.
Identifiers: ClinVar variation 1486069 (VCV001486069.6), dbSNP rs1251833902, ClinGen allele CA396077934.